The following is an entry in ClinVar:

ClinVar aggregate classification (germline): Uncertain significance (0 of 4 stars; one submission).

Conditions:
PCNT-related disorder. Also called: PCNT-related condition.

Submission:

PreventionGenetics, part of Exact Sciences
Classification: Uncertain significance for PCNT-related condition. Last evaluated: 2024-04-17. Review status: no assertion criteria provided. Collection method: clinical testing. Allele origin: germline.
Comment: The PCNT c.3384_3385delinsTT variant is predicted to result in an in-frame deletion and insertion. To our knowledge, this variant has not been reported in the literature or in a large population database, indicating this variant is rare. At this time, the clinical significance of this variant is uncertain due to the absence of conclusive functional and genetic evidence.

NM_006031.6(PCNT):c.3384_3385delinsTT (p.Gln1128_Arg1129delinsHisTrp)

Gene: PCNT (pericentrin; plus strand). Cytogenetic location: 21q22.3.
Variant type: Indel.
Coding change: c.3384_3385delinsTT on transcript NM_006031.6 (MANE Select); coding-DNA positions 3384 to 3385, GA replaced by TT.
Protein change: p.Gln1128_Arg1129delinsHisTrp.
Molecular consequence: missense variant.
Genome position (GRCh38, 1-based): chr21:46,385,903-46,385,904, GA replaced by TT. VCF-style: chr21-46385903-GA-TT. GRCh37 (hg19) VCF-style: chr21-47805818-GA-TT.
Other names: c.3030_3031delinsTT, p.Gln1010_Arg1011delinsHisTrp (NM_001315529.2).
Identifiers: ClinVar variation 3345249 (VCV003345249.1).